The following is an entry in ClinVar:

NM_001367823.1(ARHGEF18):c.3961G>A (p.Glu1321Lys)

Gene: ARHGEF18 (Rho/Rac guanine nucleotide exchange factor 18; plus strand). Cytogenetic location: 19p13.2.
Variant type: single nucleotide variant.
Coding change: c.3961G>A on transcript NM_001367823.1 (MANE Select); coding-DNA position 3961, G replaced by A.
Protein change: p.Glu1321Lys; replaces glutamic acid 1321 with lysine.
Molecular consequence: missense variant.
Genome position (GRCh38, 1-based): chr19:7,470,173, G>A. VCF-style: chr19-7470173-G-A. GRCh37 (hg19) VCF-style: chr19-7535059-G-A.
Other names: c.3235G>A, p.Glu1079Lys (NM_001130955.2); c.2923G>A, p.Glu975Lys (NM_001367824.1, NM_015318.4); short protein forms E1079K, E1321K, E975K.
Identifiers: ClinVar variation 957237 (VCV000957237.10), dbSNP rs767849235, ClinGen allele CA9137322.

ClinVar aggregate classification (germline): Uncertain significance. Review status: criteria provided, multiple submitters, no conflicts (2 of 4 stars). 2 submissions from 2 submitters: Uncertain significance (2). Last evaluated 2024-10-26.

Allele frequency attached by ClinVar (database versions not stated): TOPMed 0.00001; gnomAD 0.00002; ExAC 0.00003; gnomAD exomes 0.00003 and 0.00004.
gnomAD v4.1: 47 of 1,611,954 alleles (0.0029%); highest among the groups gnomAD compares: East Asian, 0.0045%; no homozygotes.

Submissions (2):

Labcorp Genetics (formerly Invitae), Labcorp
Classification: Uncertain significance. Last evaluated: 2024-10-26. Review status: criteria provided, single submitter. Criteria: Invitae Variant Classification Sherloc (09022015). Collection method: clinical testing. Allele origin: germline.
Comment: This sequence change replaces glutamic acid, which is acidic and polar, with lysine, which is basic and polar, at codon 1133 of the ARHGEF18 protein (p.Glu1133Lys). This variant is present in population databases (rs767849235, gnomAD 0.03%). This variant has not been reported in the literature in individuals affected with ARHGEF18-related conditions. ClinVar contains an entry for this variant (Variation ID: 957237). An algorithm developed to predict the effect of missense changes on protein structure and function (PolyPhen-2) suggests that this variant is likely to be disruptive. In summary, the available evidence is currently insufficient to determine the role of this variant in disease. Therefore, it has been classified as a Variant of Uncertain Significance.

Blueprint Genetics
Classification: Uncertain significance. Last evaluated: 2023-02-17. Review status: criteria provided, single submitter. Criteria: ACMG Guidelines, 2015. Collection method: clinical testing. Allele origin: germline.